The following is an entry in ClinVar:

NM_005762.3(TRIM28):c.1101+7A>T

Gene: TRIM28 (tripartite motif containing 28; plus strand). Cytogenetic location: 19q13.43.
Variant type: single nucleotide variant.
Coding change: c.1101+7A>T on transcript NM_005762.3 (MANE Select); 7 bases into the intron after coding-DNA position 1101, A replaced by T.
Molecular consequence: intron variant.
Genome position (GRCh38, 1-based): chr19:58,548,187, A>T. VCF-style: chr19-58548187-A-T. GRCh37 (hg19) VCF-style: chr19-59059554-A-T.
Identifiers: ClinVar variation 3653823 (VCV003653823.2).

ClinVar aggregate classification (germline): Uncertain significance (1 of 4 stars; one submission).

Submission:

Labcorp Genetics (formerly Invitae), Labcorp
Classification: Uncertain significance. Last evaluated: 2024-05-20. Review status: criteria provided, single submitter. Criteria: Invitae Variant Classification Sherloc (09022015). Collection method: clinical testing. Allele origin: germline.
Comment: This sequence change falls in intron 7 of the TRIM28 gene. It does not directly change the encoded amino acid sequence of the TRIM28 protein. This variant is present in population databases (rs780582931, gnomAD 0.006%). This variant has not been reported in the literature in individuals affected with TRIM28-related conditions. Algorithms developed to predict the effect of sequence changes on RNA splicing suggest that this variant may disrupt the consensus splice site. In summary, the available evidence is currently insufficient to determine the role of this variant in disease. Therefore, it has been classified as a Variant of Uncertain Significance.